The following is an entry in ClinVar:

NC_000001.11:g.230706034G>A

Gene: AGT (angiotensinogen; minus strand). Cytogenetic location: 1q42.2.
Variant type: single nucleotide variant.
Genome position: GRCh38 VCF-style: chr1-230706034-G-A. GRCh37 (hg19) VCF-style: chr1-230841780-G-A.
Other names: NM_000029.3:c.1023C>T.
Identifiers: ClinVar variation 720905 (VCV000720905.13), dbSNP rs11568041, ClinGen allele CA1448157.
Genomic context (GRCh38, chr1:230,706,034, plus strand): 5'-GAAAGTGAGACCCTCCACCTTGTCCAGGTCAGAGGCATAGTGAGGCTGGATCAGCAGCAG[G>A]CAGGCGCTCTCAGTGAAGGGCACTTGAGTCACCGAGAAGTTGTCCTGGATGTCACTCCAG-3'

ClinVar aggregate classification (germline): Benign. Review status: criteria provided, multiple submitters, no conflicts (2 of 4 stars). 2 submissions from 2 submitters: Benign (2). Last evaluated 2025-12-18.

Conditions:
Renal tubular dysgenesis. Also called: Renotubular dysgenesis. Identifiers: Orphanet 3033, MedGen C0266313, MONDO:0017609, HP:0008660.

Allele frequency attached by ClinVar (database versions not stated): gnomAD 0.00393 and 0.00418; TOPMed 0.00444; ESP Exome Variant Server 0.00477; 1000 Genomes Project 0.00539; 1000 Genomes Project 30x 0.00562.
gnomAD v4.1: 1,132 of 1,614,144 alleles (0.07%); highest among the groups gnomAD compares: African/African-American, 1.4%; 8 homozygotes.

Submissions (2):

Labcorp Genetics (formerly Invitae), Labcorp
Classification: Benign. Last evaluated: 2025-12-18. Review status: criteria provided, single submitter. Criteria: Invitae Variant Classification Sherloc (09022015). Collection method: clinical testing. Allele origin: germline.

Illumina Laboratory Services, Illumina
Classification: Benign for Renal tubular dysgenesis of genetic origin. Last evaluated: 2018-01-13. Review status: criteria provided, single submitter. Criteria: ICSL Variant Classification Criteria 13 December 2019. Collection method: clinical testing. Allele origin: germline.
Comment: This variant was observed in the ICSL laboratory as part of a predisposition screen in an ostensibly healthy population. It had not been previously curated by ICSL or reported in the Human Gene Mutation Database (HGMD: prior to June 1st, 2018), and was therefore a candidate for classification through an automated scoring system. Utilizing variant allele frequency, disease prevalence and penetrance estimates, and inheritance mode, an automated score was calculated to assess if this variant is too frequent to cause the disease. Based on the score and internal cut-off values, a variant classified as benign is not then subjected to further curation. The score for this variant resulted in a classification of benign for this disease.